The following is an entry in ClinVar:

NM_000057.4(BLM):c.2802G>T (p.Trp934Cys)

Gene: BLM (BLM RecQ like helicase; plus strand). Cytogenetic location: 15q26.1.
Variant type: single nucleotide variant.
Coding change: c.2802G>T on transcript NM_000057.4 (MANE Select); coding-DNA position 2802, G replaced by T.
Protein change: p.Trp934Cys; replaces tryptophan 934 with cysteine.
Molecular consequence: missense variant.
Genome position (GRCh38, 1-based): chr15:90,785,060, G>T. VCF-style: chr15-90785060-G-T. GRCh37 (hg19) VCF-style: chr15-91328290-G-T.
Other names: c.2802G>T, p.Trp934Cys (NM_001287246.2, NM_001287247.2); c.1677G>T, p.Trp559Cys (NM_001287248.2); c.2802G>T (NM_000057.2); short protein forms W559C, W934C.
Identifiers: ClinVar variation 1367258 (VCV001367258.9), dbSNP rs2151179931, ClinGen allele CA393846152.

ClinVar aggregate classification (germline): Uncertain significance. Review status: criteria provided, multiple submitters, no conflicts (2 of 4 stars). 2 submissions from 2 submitters: Uncertain significance (2). Last evaluated 2026-08-02.

Conditions:
Hereditary cancer-predisposing syndrome. Also called: Hereditary Cancer Syndrome; Neoplastic Syndromes, Hereditary; Hereditary neoplastic syndrome; Tumor predisposition. Identifiers: Orphanet 140162, MedGen C0027672, MeSH D009386, MONDO:0015356.
Bloom syndrome (BLM). Also called: Bloom-Torre-Machacek syndrome. Identifiers: Orphanet 125, MedGen C0005859, MONDO:0008876, OMIM 210900.

Submissions (2):

Ambry Genetics
Classification: Uncertain significance for Hereditary cancer-predisposing syndrome. Last evaluated: 2026-08-02. Review status: criteria provided, single submitter. Criteria: Ambry Variant Classification Scheme 2023. Collection method: clinical testing. Allele origin: germline.
Comment: The p.W934C variant (also known as c.2802G>T), located in coding exon 13 of the BLM gene, results from a G to T substitution at nucleotide position 2802. The tryptophan at codon 934 is replaced by cysteine, an amino acid with highly dissimilar properties. This amino acid position is conserved. In addition, this alteration is predicted to be deleterious by in silico analysis. Based on the available evidence, the clinical significance of this variant remains unclear.

Labcorp Genetics (formerly Invitae), Labcorp
Classification: Uncertain significance for Bloom syndrome. Last evaluated: 2021-07-13. Review status: criteria provided, single submitter. Criteria: Invitae Variant Classification Sherloc (09022015). Collection method: clinical testing. Allele origin: germline.
Comment: This sequence change replaces tryptophan with cysteine at codon 934 of the BLM protein (p.Trp934Cys). The tryptophan residue is highly conserved and there is a large physicochemical difference between tryptophan and cysteine. This variant is not present in population databases (ExAC no frequency). This variant has not been reported in the literature in individuals affected with BLM-related conditions. Algorithms developed to predict the effect of missense changes on protein structure and function are either unavailable or do not agree on the potential impact of this missense change (SIFT: "Deleterious"; PolyPhen-2: "Probably Damaging"; Align-GVGD: "Class C0"). In summary, the available evidence is currently insufficient to determine the role of this variant in disease. Therefore, it has been classified as a Variant of Uncertain Significance.